The following is an entry in ClinVar:

ClinVar aggregate classification (germline): Uncertain significance. Review status: criteria provided, multiple submitters, no conflicts (2 of 4 stars). 2 submissions from 2 submitters: Uncertain significance (2). Last evaluated 2024-05-01.

Conditions:
Hyperkalemic periodic paralysis. Also called: Gamstorp disease; Familial hyperkalemic periodic paralysis. Identifiers: Orphanet 682, MedGen C0238357, MONDO:0008224, OMIM 170500, HP:0007215.

Allele frequency attached by ClinVar (database versions not stated): ExAC 0.00001.
gnomAD v4.1: 12 of 1,603,014 alleles (0.00075%); highest among the groups gnomAD compares: South Asian, 0.013%; no homozygotes.

Submissions (2):

CeGaT Center for Human Genetics Tuebingen
Classification: Uncertain significance. Last evaluated: 2024-05-01. Review status: criteria provided, single submitter. Criteria: CeGaT Center For Human Genetics Tuebingen Variant Classification Criteria Version 2. Collection method: clinical testing. Allele origin: germline. Affected: yes. Observed: 2 variant alleles.
Comment: SCN4A: PM2

Labcorp Genetics (formerly Invitae), Labcorp
Classification: Uncertain significance for Hyperkalemic periodic paralysis. Last evaluated: 2022-04-09. Review status: criteria provided, single submitter. Criteria: Invitae Variant Classification Sherloc (09022015). Collection method: clinical testing. Allele origin: germline.
Comment: In summary, the available evidence is currently insufficient to determine the role of this variant in disease. Therefore, it has been classified as a Variant of Uncertain Significance. This sequence change replaces valine, which is neutral and non-polar, with leucine, which is neutral and non-polar, at codon 609 of the SCN4A protein (p.Val609Leu). This variant is present in population databases (rs752056845, gnomAD 0.02%). This variant has not been reported in the literature in individuals affected with SCN4A-related conditions. Algorithms developed to predict the effect of missense changes on protein structure and function are either unavailable or do not agree on the potential impact of this missense change (SIFT: "Deleterious"; PolyPhen-2: "Benign"; Align-GVGD: "Class C0").

NM_000334.4(SCN4A):c.1825G>T (p.Val609Leu)

Gene: SCN4A (sodium voltage-gated channel alpha subunit 4; minus strand). Cytogenetic location: 17q23.3.
Variant type: single nucleotide variant.
Coding change: c.1825G>T on transcript NM_000334.4 (MANE Select); coding-DNA position 1825, G replaced by T.
Protein change: p.Val609Leu; replaces valine 609 with leucine.
Molecular consequence: missense variant.
Genome position (GRCh38, 1-based): chr17:63,961,213, C>A on the plus strand (G>T on the coding strand, the complement: SCN4A is on the minus strand). VCF-style: chr17-63961213-C-A. GRCh37 (hg19) VCF-style: chr17-62038573-C-A.
Other names: short protein forms V609L.
Identifiers: ClinVar variation 2078335 (VCV002078335.25), dbSNP rs752056845, ClinGen allele CA8709739.
Genomic context (GRCh38, chr17:63,961,213, plus strand): 5'-ATCCTGCCCATGAATGATCCCCTCCCCCGCCCCTCCCTACCAGGTTGCCCACAGTGAGCA[C>A]GTTGTCAAAGTGCTCCGTCATGGGGTAATGTTCCATGGCCATGAAGAGGGTGTTGAGCAC-3'
Protein context (NP_000325.4, residues 599-619): HYPMTEHFDN[Val609Leu]LTVGNLVFTG